The following is an entry in ClinVar:

ClinVar aggregate classification (germline): Uncertain significance (1 of 4 stars; one submission).

gnomAD v4.1: 18 of 1,614,012 alleles (0.0011%); highest among the groups gnomAD compares: Admixed American, 0.0067%; 1 homozygote.

Submission:

Labcorp Genetics (formerly Invitae), Labcorp
Classification: Uncertain significance. Last evaluated: 2025-10-21. Review status: criteria provided, single submitter. Criteria: Invitae Variant Classification Sherloc (09022015). Collection method: clinical testing. Allele origin: germline.
Comment: This sequence change replaces valine, which is neutral and non-polar, with isoleucine, which is neutral and non-polar, at codon 1367 of the POLR1A protein (p.Val1367Ile). This variant is present in population databases (rs745979247, gnomAD 0.01%). This variant has not been reported in the literature in individuals affected with POLR1A-related conditions. Invitae Evidence Modeling of protein sequence and biophysical properties (such as structural, functional, and spatial information, amino acid conservation, physicochemical variation, residue mobility, and thermodynamic stability) indicates that this missense variant is not expected to disrupt POLR1A protein function with a negative predictive value of 80%. In summary, the available evidence is currently insufficient to determine the role of this variant in disease. Therefore, it has been classified as a Variant of Uncertain Significance.

NM_015425.6(POLR1A):c.4099G>A (p.Val1367Ile)

Gene: POLR1A (RNA polymerase I subunit A; minus strand). Cytogenetic location: 2p11.2.
Variant type: single nucleotide variant.
Coding change: c.4099G>A on transcript NM_015425.6 (MANE Select); coding-DNA position 4099, G replaced by A.
Protein change: p.Val1367Ile; replaces valine 1367 with isoleucine.
Molecular consequence: missense variant.
Genome position (GRCh38, 1-based): chr2:86,033,723, C>T on the plus strand (G>A on the coding strand, the complement: POLR1A is on the minus strand). VCF-style: chr2-86033723-C-T. GRCh37 (hg19) VCF-style: chr2-86260846-C-T.
Other names: short protein forms V1367I.
Identifiers: ClinVar variation 4693802 (VCV004693802.1).